The following is an entry in ClinVar:

NM_002528.7(NTHL1):c.592G>C (p.Ala198Pro)

Gene: NTHL1 (nth like DNA glycosylase 1; minus strand). Cytogenetic location: 16p13.3.
Variant type: single nucleotide variant.
Coding change: c.592G>C on transcript NM_002528.7 (MANE Select); coding-DNA position 592, G replaced by C.
Protein change: p.Ala198Pro; replaces alanine 198 with proline.
Molecular consequence: missense variant.
Genome position (GRCh38, 1-based): chr16:2,043,660, C>G on the plus strand (G>C on the coding strand, the complement: NTHL1 is on the minus strand). VCF-style: chr16-2043660-C-G. GRCh37 (hg19) VCF-style: chr16-2093661-C-G.
Other names: c.616G>C (NM_002528.5); c.421G>C, p.Ala141Pro (NM_001318193.2); c.262G>C, p.Ala88Pro (NM_001318194.2); short protein forms A198P, A88P, A141P.
Identifiers: ClinVar variation 1039595 (VCV001039595.9), dbSNP rs776654917, ClinGen allele CA7828196.

ClinVar aggregate classification (germline): Uncertain significance. Review status: criteria provided, multiple submitters, no conflicts (2 of 4 stars). 3 submissions from 3 submitters: Uncertain significance (3). Last evaluated 2026-07-07.

Conditions:
Familial adenomatous polyposis 3. Also called: NTHL1 Tumor Syndrome; NTHL1-associated polyposis; NTHL1-related attenuated familial adenomatous polyposis; NTHL1-Related Adenomatous Polyposis and Colorectal Cancer. Identifiers: Orphanet 220460, Orphanet 454840, MedGen C4225157, MONDO:0014630, OMIM 616415.
Hereditary cancer-predisposing syndrome. Also called: Tumor predisposition; Hereditary Cancer Syndrome; Hereditary neoplastic syndrome; Neoplastic Syndromes, Hereditary. Identifiers: Orphanet 140162, MedGen C0027672, MeSH D009386, MONDO:0015356.

Allele frequency attached by ClinVar (database versions not stated): gnomAD exomes 0.00001 and below 0.00001; ExAC 0.00001.

Submissions (3):

Ambry Genetics
Classification: Uncertain significance for Hereditary cancer-predisposing syndrome. Last evaluated: 2026-07-07. Review status: criteria provided, single submitter. Criteria: Ambry Variant Classification Scheme 2023. Collection method: clinical testing. Allele origin: germline.
Comment: The p.A206P variant (also known as c.616G>C), located in coding exon 4 of the NTHL1 gene, results from a G to C substitution at nucleotide position 616. The alanine at codon 206 is replaced by proline, an amino acid with highly similar properties. This amino acid position is conserved. In addition, this alteration is predicted to be tolerated by in silico analysis. Based on the available evidence, the clinical significance of this variant remains unclear.

Baylor Genetics
Classification: Uncertain significance for Familial adenomatous polyposis 3. Last evaluated: 2023-07-23. Review status: criteria provided, single submitter. Criteria: ACMG Guidelines, 2015. Collection method: clinical testing. Allele origin: unknown.

Labcorp Genetics (formerly Invitae), Labcorp
Classification: Uncertain significance. Last evaluated: 2020-09-24. Review status: criteria provided, single submitter. Criteria: Invitae Variant Classification Sherloc (09022015). Collection method: clinical testing. Allele origin: germline.
Comment: This sequence change replaces alanine with proline at codon 206 of the NTHL1 protein (p.Ala206Pro). The alanine residue is weakly conserved and there is a small physicochemical difference between alanine and proline. This variant is present in population databases (rs776654917, ExAC 0.006%). This variant has not been reported in the literature in individuals with NTHL1-related conditions. Algorithms developed to predict the effect of missense changes on protein structure and function are either unavailable or do not agree on the potential impact of this missense change (SIFT: "Not Available"; PolyPhen-2: "Benign"; Align-GVGD: "Not Available"). In summary, the available evidence is currently insufficient to determine the role of this variant in disease. Therefore, it has been classified as a Variant of Uncertain Significance.